The following is an entry in ClinVar:

NM_001358235.2(DCHS2):c.687G>A (p.Gly229=)

Gene: DCHS2 (dachsous cadherin-related 2; minus strand). Cytogenetic location: 4q31.3.
Variant type: single nucleotide variant.
Coding change: c.687G>A on transcript NM_001358235.2 (MANE Select); coding-DNA position 687, G replaced by A.
Protein change: p.Gly229=; no amino-acid change (glycine 229 retained).
Molecular consequence: synonymous variant.
Genome position (GRCh38, 1-based): chr4:154,490,669, C>T on the plus strand (G>A on the coding strand, the complement: DCHS2 is on the minus strand). VCF-style: chr4-154490669-C-T. GRCh37 (hg19) VCF-style: chr4-155411821-C-T.
Other names: c.687G>A, p.Gly229= (NM_001142552.2, NM_001412223.1).
Identifiers: ClinVar variation 3044703 (VCV003044703.2), dbSNP rs192935277, ClinGen allele CA3113878.

ClinVar aggregate classification (germline): Benign (0 of 4 stars; one submission).

Conditions:
DCHS2-related disorder. Also called: DCHS2-related condition.

Allele frequency attached by ClinVar (database versions not stated): gnomAD exomes 0.00037; ExAC 0.00097; 1000 Genomes Project 0.00220; gnomAD 0.00232; ESP Exome Variant Server 0.00241; TOPMed 0.00250; 1000 Genomes Project 30x 0.00265.

Submission:

PreventionGenetics, part of Exact Sciences
Classification: Benign for DCHS2-related condition. Last evaluated: 2022-11-11. Review status: no assertion criteria provided. Collection method: clinical testing. Allele origin: germline.
Comment: This variant is classified as benign based on ACMG/AMP sequence variant interpretation guidelines (Richards et al. 2015 PMID: 25741868, with internal and published modifications).